The following is an entry in ClinVar:

ClinVar aggregate classification (germline): Uncertain significance (1 of 4 stars; one submission).

Conditions:
Neurofibromatosis, type 1 (NF1). Also called: Peripheral type neurofibromatosis; VON RECKLINGHAUSEN DISEASE; Neurofibromatosis, type I; NEUROFIBROMATOSIS, TYPE I, SOMATIC. Identifiers: Orphanet 636, MedGen C0027831, MONDO:0018975, OMIM 162200. Disease mechanism: loss of function.

Submission:

Labcorp Genetics (formerly Invitae), Labcorp
Classification: Uncertain significance for Neurofibromatosis, type 1. Last evaluated: 2021-07-14. Review status: criteria provided, single submitter. Criteria: Invitae Variant Classification Sherloc (09022015). Collection method: clinical testing. Allele origin: germline.
Comment: This sequence change falls in intron 30 of the NF1 gene. It does not directly change the encoded amino acid sequence of the NF1 protein, but it affects a nucleotide within the consensus splice site of the intron. This variant is not present in population databases (ExAC no frequency). This variant has not been reported in the literature in individuals with NF1-related conditions. Nucleotide substitutions within the consensus splice site are a relatively common cause of aberrant splicing (PMID: 17576681, 9536098). Algorithms developed to predict the effect of sequence changes on RNA splicing suggest that this variant may disrupt the consensus splice site, but this prediction has not been confirmed by published transcriptional studies. In summary, the available evidence is currently insufficient to determine the role of this variant in disease. Therefore, it has been classified as a Variant of Uncertain Significance.

Literature cited by the submitters: PubMed 17576681; PubMed 9536098.

NM_001042492.3(NF1):c.4110+5_4110+8del

Gene: NF1 (neurofibromin 1; plus strand). Cytogenetic location: 17q11.2.
Variant type: Deletion.
Coding change: c.4110+5_4110+8del on transcript NM_001042492.3 (MANE Select); bases 5 to 8 of the intron after coding-DNA position 4110, 4 bases deleted (GCTT; older notation c.4110+5_4110+8delGCTT).
Molecular consequence: intron variant.
Genome position (GRCh38, 1-based): chr17:31,249,124-31,249,127, GCTT deleted; deleting any 4 consecutive bases within chr17:31,249,123-31,249,127 gives the same sequence; the c. name uses the placement nearest the transcript's 3' end. VCF-style (leftmost placement, unchanged base first): chr17-31249122-ATGCT-A. GRCh37 (hg19) VCF-style: chr17-29576140-ATGCT-A.
Other names: c.4110+5_4110+8del (NM_000267.4).
Identifiers: ClinVar variation 840478 (VCV000840478.6), dbSNP rs2067451835, ClinGen allele CA916080644.